The following is an entry in ClinVar:

ClinVar aggregate classification (germline): Uncertain significance (1 of 4 stars; one submission).

Submission:

GeneDx
Classification: Uncertain significance. Last evaluated: 2025-06-10. Review status: criteria provided, single submitter. Criteria: GeneDx Variant Classification Process June 2021. Collection method: clinical testing. Allele origin: germline. Affected: yes.
Comment: Not observed at significant frequency in large population cohorts (gnomAD); In silico analysis supports that this missense variant has a deleterious effect on protein structure/function; Has not been previously published as pathogenic or benign to our knowledge

NM_001395159.1(UNC79):c.7836T>G (p.Ser2612Arg)

Gene: UNC79 (unc-79 subunit of NALCN channel complex; plus strand). Cytogenetic location: 14q32.12.
Variant type: single nucleotide variant.
Coding change: c.7836T>G on transcript NM_001395159.1 (MANE Select); coding-DNA position 7836, T replaced by G.
Protein change: p.Ser2612Arg; replaces serine 2612 with arginine.
Molecular consequence: missense variant.
Genome position (GRCh38, 1-based): chr14:93,694,367, T>G. VCF-style: chr14-93694367-T-G. GRCh37 (hg19) VCF-style: chr14-94160713-T-G.
Other names: c.7770T>G, p.Ser2590Arg (NM_001346218.2); c.7089T>G, p.Ser2363Arg (NM_020818.5); short protein forms S2363R, S2590R, S2612R.
Identifiers: ClinVar variation 4538047 (VCV004538047.1).